The following is an entry in ClinVar:

NM_001369268.1(ACAN):c.895G>A (p.Ala299Thr)

Gene: ACAN (aggrecan; plus strand). Cytogenetic location: 15q26.1.
Variant type: single nucleotide variant.
Coding change: c.895G>A on transcript NM_001369268.1 (MANE Select); coding-DNA position 895, G replaced by A.
Protein change: p.Ala299Thr; replaces alanine 299 with threonine.
Molecular consequence: missense variant.
Genome position (GRCh38, 1-based): chr15:88,843,492, G>A. VCF-style: chr15-88843492-G-A. GRCh37 (hg19) VCF-style: chr15-89386723-G-A.
Other names: c.895G>A, p.Ala299Thr (NM_001135.4, NM_013227.4); c.895G>A (NM_013227.3); short protein forms A299T.
Identifiers: ClinVar variation 1360300 (VCV001360300.9), dbSNP rs764260441, ClinGen allele CA7719396.

ClinVar aggregate classification (germline): Uncertain significance. Review status: criteria provided, multiple submitters, no conflicts (2 of 4 stars). 2 submissions from 2 submitters: Uncertain significance (2). Last evaluated 2025-12-11.

Conditions:
Inborn genetic diseases. Identifiers: MedGen C0950123, MeSH D030342.

Allele frequency attached by ClinVar (database versions not stated): gnomAD 0.00007; TOPMed 0.00008; gnomAD exomes 0.00009 and 0.00012; ExAC 0.00013.
gnomAD v4.1: 144 of 1,611,998 alleles (0.0089%); highest among the groups gnomAD compares: Admixed American, 0.028%; no homozygotes.

Submissions (2):

Labcorp Genetics (formerly Invitae), Labcorp
Classification: Uncertain significance. Last evaluated: 2025-12-11. Review status: criteria provided, single submitter. Criteria: Invitae Variant Classification Sherloc (09022015). Collection method: clinical testing. Allele origin: germline.
Comment: This sequence change replaces alanine, which is neutral and non-polar, with threonine, which is neutral and polar, at codon 299 of the ACAN protein (p.Ala299Thr). This variant is present in population databases (rs764260441, gnomAD 0.05%). This variant has not been reported in the literature in individuals affected with ACAN-related conditions. ClinVar contains an entry for this variant (Variation ID: 1360300). Invitae Evidence Modeling of protein sequence and biophysical properties (such as structural, functional, and spatial information, amino acid conservation, physicochemical variation, residue mobility, and thermodynamic stability) indicates that this missense variant is not expected to disrupt ACAN protein function with a negative predictive value of 80%. In summary, the available evidence is currently insufficient to determine the role of this variant in disease. Therefore, it has been classified as a Variant of Uncertain Significance.

Ambry Genetics
Classification: Uncertain significance for Inborn genetic diseases. Last evaluated: 2025-05-21. Review status: criteria provided, single submitter. Criteria: Ambry Variant Classification Scheme 2023. Collection method: clinical testing. Allele origin: germline.